The following is an entry in ClinVar:

ClinVar aggregate classification (germline): Uncertain significance. Review status: criteria provided, multiple submitters, no conflicts (2 of 4 stars). 2 submissions from 2 submitters: Uncertain significance (2). Last evaluated 2024-02-06.

Conditions:
Hereditary spherocytosis type 1. Also called: Spherocytosis type 1; ANK1-Related Spherocytosis. Identifiers: Orphanet 822, MedGen C2674218, MONDO:0008447, OMIM 182900.

Allele frequency attached by ClinVar (database versions not stated): ExAC 0.00002; gnomAD 0.00005; TOPMed 0.00005.
gnomAD v4.1: 38 of 1,614,028 alleles (0.0024%); highest among the groups gnomAD compares: East Asian, 0.018%; no homozygotes.

Submissions (2):

Revvity Omics, Revvity
Classification: Uncertain significance for Hereditary spherocytosis type 1. Last evaluated: 2024-02-06. Review status: criteria provided, single submitter. Criteria: ACMG Guidelines, 2015. Collection method: clinical testing. Allele origin: germline.

Labcorp Genetics (formerly Invitae), Labcorp
Classification: Uncertain significance. Last evaluated: 2022-10-03. Review status: criteria provided, single submitter. Criteria: Invitae Variant Classification Sherloc (09022015). Collection method: clinical testing. Allele origin: germline.
Comment: Advanced modeling of protein sequence and biophysical properties (such as structural, functional, and spatial information, amino acid conservation, physicochemical variation, residue mobility, and thermodynamic stability) performed at Invitae indicates that this missense variant is not expected to disrupt ANK1 protein function. This variant has not been reported in the literature in individuals affected with ANK1-related conditions. This variant is present in population databases (rs779150672, gnomAD 0.03%). This sequence change replaces valine, which is neutral and non-polar, with methionine, which is neutral and non-polar, at codon 1016 of the ANK1 protein (p.Val1016Met). In summary, the available evidence is currently insufficient to determine the role of this variant in disease. Therefore, it has been classified as a Variant of Uncertain Significance.

NM_000037.4(ANK1):c.3046G>A (p.Val1016Met)

Gene: ANK1 (ankyrin 1; minus strand). Cytogenetic location: 8p11.21.
Variant type: single nucleotide variant.
Coding change: c.3046G>A on transcript NM_000037.4 (MANE Select); coding-DNA position 3046, G replaced by A.
Protein change: p.Val1016Met; replaces valine 1016 with methionine.
Molecular consequence: missense variant.
Genome position (GRCh38, 1-based): chr8:41,695,246, C>T on the plus strand (G>A on the coding strand, the complement: ANK1 is on the minus strand). VCF-style: chr8-41695246-C-T. GRCh37 (hg19) VCF-style: chr8-41552764-C-T.
Other names: c.3169G>A, p.Val1057Met (NM_001142446.2); c.3046G>A, p.Val1016Met (NM_020475.3, NM_020476.3, NM_020477.3); short protein forms V1016M, V1057M.
Identifiers: ClinVar variation 2170033 (VCV002170033.5), dbSNP rs779150672, ClinGen allele CA4727994.